The following is an entry in ClinVar:

GRCh38/hg38 2q24.3-31.1(chr2:168044567-170175580)x1

Genes: DHRS9 (dehydrogenase/reductase 9; plus strand), ABCB11 (ATP binding cassette subfamily B member 11; minus strand), BBS5 (Bardet-Biedl syndrome 5; plus strand), CERS6 (ceramide synthase 6; plus strand), CERS6-AS1 (CERS6 antisense RNA 1; minus strand) and 57 more. Cytogenetic location: 2q24.3-31.1.
Variant type: copy number loss.
Change: copy number 1 (one copy instead of two) of chr2:168,044,567-170,175,580 (2.13 Mb, GRCh38 coordinates, 1-based), cytogenetic band 2q24.3-31.1.
Identifiers: ClinVar variation 4974701 (VCV004974701.1).

ClinVar aggregate classification (germline): Pathogenic (1 of 4 stars; one submission).

Submission:

Clinical Genomics Laboratory, Laboratory for Precision Diagnostics, University of Washington
Classification: Pathogenic. Last evaluated: 2024-08-27. Review status: criteria provided, single submitter. Criteria: ACMG/ClinGen CNV Guidelines, 2019. Collection method: clinical testing. Allele origin: unknown. Affected: yes. Observed: 1 variant allele.
Comment: This interstitial deletion is approximately 2.13 Mb in size and contains all or part of 18 protein-coding genes. Five of the deleted genes are each associated with an autosomal recessive condition: ABCB11, LRP2, BBS5, KLHL41, and METTL5, which is why this variant is entered as Pathogenic. But there is no evidence that this deletion would otherwise affect the health of this person. None of the genes in this region are known to cause medical problems in humans when one copy is deleted (haploinsufficiency), and this is not a known haploinsufficient genomic region. No similar deletions have been reported in healthy control people, nor in people who have had genetic testing for clinical reasons.